The following is an entry in ClinVar:

ClinVar aggregate classification (germline): Uncertain significance. Review status: criteria provided, multiple submitters, no conflicts (2 of 4 stars). 2 submissions from 2 submitters: Uncertain significance (2). Last evaluated 2017-02-24.

Conditions:
Inborn genetic diseases. Identifiers: MedGen C0950123, MeSH D030342.

Submissions (2):

Ambry Genetics
Classification: Uncertain significance for Inborn genetic diseases. Last evaluated: 2017-02-24. Review status: criteria provided, single submitter. Criteria: Ambry Variant Classification Scheme 2023. Collection method: clinical testing. Allele origin: germline.
Comment: The p.E137K variant (also known as c.409G>A), located in coding exon 2 of the ARX gene, results from a G to A substitution at nucleotide position 409. The glutamic acid at codon 137 is replaced by lysine, an amino acid with similar properties. This amino acid position is well conserved in available vertebrate species. In addition, this alteration is predicted to be tolerated by in silico analysis. Since supporting evidence is limited at this time, the clinical significance of this alteration remains unclear.

GeneDx
Classification: Uncertain significance. Last evaluated: 2016-08-03. Review status: criteria provided, single submitter. Criteria: GeneDx Variant Classification (06012015). Collection method: clinical testing. Allele origin: germline. Affected: yes.
Comment: A variant of uncertain significance has been identified in the ARX gene. The E137K variant has not been published as a pathogenic variant, nor has it been reported as a benign variant to our knowledge. There was not enough reliable data from control individuals available to assess whether E137K may be a common benign variant in the general population. The E137K variant is a non-conservative amino acid substitution, which is likely to impact secondary protein structure as these residues differ in polarity, charge, size, and/or other properties. However, this substitution occurs at a position that is not conserved. In silico analysis is inconsistent in its predictions as to whether or not the variant is damaging to the protein structure/function. Therefore, based on the currently available information, it is unclear whether this variant is a pathogenic variant or a rare benign variant.

NM_139058.3(ARX):c.409G>A (p.Glu137Lys)

Genes: ARX (aristaless related homeobox; minus strand), LOC109610631 (aristaless related homeobox polyalanine expansion region; plus strand). Cytogenetic location: Xp21.3.
Variant type: single nucleotide variant.
Coding change: c.409G>A on transcript NM_139058.3 (MANE Select); coding-DNA position 409, G replaced by A.
Protein change: p.Glu137Lys; replaces glutamic acid 137 with lysine.
Molecular consequence: missense variant.
Genome position (GRCh38, 1-based): chrX:25,013,586, C>T on the plus strand (G>A on the coding strand, the complement: ARX is on the minus strand). VCF-style: chrX-25013586-C-T. GRCh37 (hg19) VCF-style: chrX-25031703-C-T.
Other names: short protein forms E137K.
Identifiers: ClinVar variation 388333 (VCV000388333.6), dbSNP rs1057523073, ClinGen allele CA16608412.